The following is an entry in ClinVar:

NM_001244008.2(KIF1A):c.4007+2337A>G

Gene: KIF1A (kinesin family member 1A; minus strand). Cytogenetic location: 2q37.3.
Variant type: single nucleotide variant.
Coding change: c.4007+2337A>G on transcript NM_001244008.2 (MANE Select); 2337 bases into the intron after coding-DNA position 4007, A replaced by G.
Molecular consequence: intron variant. On other transcripts: missense variant (6).
Genome position (GRCh38, 1-based): chr2:240,734,726, T>C on the plus strand (A>G on the coding strand, the complement: KIF1A is on the minus strand). VCF-style: chr2-240734726-T-C. GRCh37 (hg19) VCF-style: chr2-241674143-T-C.
Other names: c.3751A>G, p.Ile1251Val (NM_001330289.2); c.3976A>G, p.Ile1326Val (NM_001379632.1); c.3826A>G, p.Ile1276Val (NM_001379634.1); c.4000A>G, p.Ile1334Val (NM_001379642.1); c.3799A>G, p.Ile1267Val (NM_001379648.1); c.3724A>G, p.Ile1242Val (NM_001379649.1); c.3704+2337A>G (NM_001379653.1, NM_001379650.1, NM_001379641.1 and 3 more transcripts); c.3980+2337A>G (NM_001379645.1, NM_001379633.1); and 6 more; short protein forms I1242V, I1251V, I1267V, I1334V, I1276V, I1326V.
Identifiers: ClinVar variation 4988843 (VCV004988843.1).

ClinVar aggregate classification (germline): Uncertain significance (1 of 4 stars; one submission).

Conditions:
KIF1A-related disorder. Also called: KIF1A-related disorders; KIF1A-related condition.

gnomAD v4.1: 9 of 1,304,464 alleles (0.00069%); highest among the groups gnomAD compares: Non-Finnish European, 0.00091%; no homozygotes.

Submission:

PreventionGenetics, part of Exact Sciences
Classification: Uncertain significance for KIF1A-related condition. Last evaluated: 2026-04-23. Review status: criteria provided, single submitter. Criteria: ACMG Guidelines, 2015. Collection method: clinical testing. Allele origin: germline.
Comment: The KIF1A c.3751A>G variant is predicted to result in the amino acid substitution p.Ile1251Val. This variant corresponds to a deep intronic position in an alternate transcript for this gene NM_004321:c.3704+2337A>G. To our knowledge, this variant has not been reported in the literature or in a large population database (gnomAD), indicating this variant is rare. At this time, the clinical significance of this variant is uncertain due to the absence of conclusive functional and genetic evidence.